The following is an entry in ClinVar:

ClinVar aggregate classification (germline): Uncertain significance. Review status: criteria provided, multiple submitters, no conflicts (2 of 4 stars). 2 submissions from 2 submitters: Uncertain significance (2). Last evaluated 2024-11-03.

Conditions:
Hereditary cancer-predisposing syndrome. Also called: Tumor predisposition; Hereditary Cancer Syndrome; Neoplastic Syndromes, Hereditary; Hereditary neoplastic syndrome. Identifiers: Orphanet 140162, MedGen C0027672, MeSH D009386, MONDO:0015356.
BAP1-related tumor predisposition syndrome (TPDS1). Also called: Tumor susceptibility linked to germline BAP1 mutations; COMMON Syndrome; TUMOR PREDISPOSITION SYNDROME 1; BAP1 tumor predisposition syndrome. Identifiers: Orphanet 289539, MedGen C3280492, MONDO:0013692, OMIM 614327.

Submissions (2):

Labcorp Genetics (formerly Invitae), Labcorp
Classification: Uncertain significance for BAP1-related tumor predisposition syndrome. Last evaluated: 2024-11-03. Review status: criteria provided, single submitter. Criteria: Invitae Variant Classification Sherloc (09022015). Collection method: clinical testing. Allele origin: germline.
Comment: This sequence change replaces proline, which is neutral and non-polar, with leucine, which is neutral and non-polar, at codon 88 of the BAP1 protein (p.Pro88Leu). This variant is not present in population databases (gnomAD no frequency). This variant has not been reported in the literature in individuals affected with BAP1-related conditions. ClinVar contains an entry for this variant (Variation ID: 1794171). Invitae Evidence Modeling of protein sequence and biophysical properties (such as structural, functional, and spatial information, amino acid conservation, physicochemical variation, residue mobility, and thermodynamic stability) indicates that this missense variant is expected to disrupt BAP1 protein function with a positive predictive value of 80%. In summary, the available evidence is currently insufficient to determine the role of this variant in disease. Therefore, it has been classified as a Variant of Uncertain Significance.

Ambry Genetics
Classification: Uncertain significance for Hereditary cancer-predisposing syndrome. Last evaluated: 2020-07-06. Review status: criteria provided, single submitter. Criteria: Ambry Variant Classification Scheme 2023. Collection method: clinical testing. Allele origin: germline.
Comment: The p.P88L variant (also known as c.263C>T), located in coding exon 5 of the BAP1 gene, results from a C to T substitution at nucleotide position 263. The proline at codon 88 is replaced by leucine, an amino acid with similar properties. This amino acid position is highly conserved in available vertebrate species. In addition, this alteration is predicted to be deleterious by in silico analysis. Since supporting evidence is limited at this time, the clinical significance of this alteration remains unclear.

NM_004656.4(BAP1):c.263C>T (p.Pro88Leu)

Gene: BAP1 (BRCA1 associated deubiquitinase 1; minus strand). Cytogenetic location: 3p21.1.
Variant type: single nucleotide variant.
Coding change: c.263C>T on transcript NM_004656.4 (MANE Select); coding-DNA position 263, C replaced by T.
Protein change: p.Pro88Leu; replaces proline 88 with leucine.
Molecular consequence: missense variant.
Genome position (GRCh38, 1-based): chr3:52,408,070, G>A on the plus strand (C>T on the coding strand, the complement: BAP1 is on the minus strand). VCF-style: chr3-52408070-G-A. GRCh37 (hg19) VCF-style: chr3-52442086-G-A.
Other names: c.263C>T, p.Pro88Leu (NM_001410772.1); short protein forms P88L.
Identifiers: ClinVar variation 1794171 (VCV001794171.4), dbSNP rs2153228152, ClinGen allele CA353112688.